The following is an entry in ClinVar:

NM_000553.6(WRN):c.448G>T (p.Asp150Tyr)

Gene: WRN (WRN RecQ like helicase; plus strand). Cytogenetic location: 8p12.
Variant type: single nucleotide variant.
Coding change: c.448G>T on transcript NM_000553.6 (MANE Select); coding-DNA position 448, G replaced by T.
Protein change: p.Asp150Tyr; replaces aspartic acid 150 with tyrosine.
Molecular consequence: missense variant.
Genome position (GRCh38, 1-based): chr8:31,065,007, G>T. VCF-style: chr8-31065007-G-T. GRCh37 (hg19) VCF-style: chr8-30922523-G-T.
Other names: short protein forms D150Y.
Identifiers: ClinVar variation 2728539 (VCV002728539.3), dbSNP rs2535882942, ClinGen allele CA370914877.

ClinVar aggregate classification (germline): Uncertain significance (1 of 4 stars; one submission).

Conditions:
Werner syndrome (WRN). Identifiers: Orphanet 902, MedGen C0043119, MONDO:0010196, OMIM 277700.

Submission:

Labcorp Genetics (formerly Invitae), Labcorp
Classification: Uncertain significance for Werner syndrome. Last evaluated: 2023-06-25. Review status: criteria provided, single submitter. Criteria: Invitae Variant Classification Sherloc (09022015). Collection method: clinical testing. Allele origin: germline.
Comment: In summary, the available evidence is currently insufficient to determine the role of this variant in disease. Therefore, it has been classified as a Variant of Uncertain Significance. An algorithm developed to predict the effect of missense changes on protein structure and function (PolyPhen-2) suggests that this variant is likely to be disruptive. This variant has not been reported in the literature in individuals affected with WRN-related conditions. This variant is not present in population databases (gnomAD no frequency). This sequence change replaces aspartic acid, which is acidic and polar, with tyrosine, which is neutral and polar, at codon 150 of the WRN protein (p.Asp150Tyr).